The following is an entry in ClinVar:

NM_000051.4(ATM):c.425G>C (p.Ser142Thr)

Gene: ATM (ATM serine/threonine kinase; plus strand). Cytogenetic location: 11q22.3.
Variant type: single nucleotide variant.
Coding change: c.425G>C on transcript NM_000051.4 (MANE Select); coding-DNA position 425, G replaced by C.
Protein change: p.Ser142Thr; replaces serine 142 with threonine.
Molecular consequence: missense variant.
Genome position (GRCh38, 1-based): chr11:108,235,763, G>C. VCF-style: chr11-108235763-G-C. GRCh37 (hg19) VCF-style: chr11-108106490-G-C.
Other names: c.425G>C, p.Ser142Thr (NM_001351834.2); short protein forms S142T.
Identifiers: ClinVar variation 4747159 (VCV004747159.1).

ClinVar aggregate classification (germline): Uncertain significance (1 of 4 stars; one submission).

Conditions:
Ataxia-telangiectasia syndrome (AT). Also called: Ataxia-telangiectasia, complementation group D; AT, COMPLEMENTATION GROUP C; Ataxia-telangiectasia; Ataxia telangiectasia (A-T); LOUIS-BAR SYNDROME; Cerebello-oculocutaneous telangiectasia. Identifiers: Orphanet 100, MedGen C0004135, MONDO:0008840, OMIM 208900.

Submission:

Labcorp Genetics (formerly Invitae), Labcorp
Classification: Uncertain significance for Ataxia-telangiectasia syndrome. Last evaluated: 2025-05-22. Review status: criteria provided, single submitter. Criteria: Invitae Variant Classification Sherloc (09022015). Collection method: clinical testing. Allele origin: germline.
Comment: This sequence change replaces serine, which is neutral and polar, with threonine, which is neutral and polar, at codon 142 of the ATM protein (p.Ser142Thr). This variant is not present in population databases (gnomAD no frequency). This variant has not been reported in the literature in individuals affected with ATM-related conditions. Invitae Evidence Modeling of protein sequence and biophysical properties (such as structural, functional, and spatial information, amino acid conservation, physicochemical variation, residue mobility, and thermodynamic stability) indicates that this missense variant is not expected to disrupt ATM protein function with a negative predictive value of 95%. In summary, the available evidence is currently insufficient to determine the role of this variant in disease. Therefore, it has been classified as a Variant of Uncertain Significance.